The following is an entry in ClinVar:

NM_015141.4(GPD1L):c.99A>T (p.Lys33Asn)

Gene: GPD1L (glycerol-3-phosphate dehydrogenase 1 like; plus strand). Cytogenetic location: 3p22.3.
Variant type: single nucleotide variant.
Coding change: c.99A>T on transcript NM_015141.4 (MANE Select); coding-DNA position 99, A replaced by T.
Protein change: p.Lys33Asn; replaces lysine 33 with asparagine.
Molecular consequence: missense variant.
Genome position (GRCh38, 1-based): chr3:32,128,127, A>T. VCF-style: chr3-32128127-A-T. GRCh37 (hg19) VCF-style: chr3-32169619-A-T.
Other names: short protein forms K33N.
Identifiers: ClinVar variation 2176192 (VCV002176192.3), dbSNP rs779017611, ClinGen allele CA2296553.
Genomic context (GRCh38, chr3:32,128,127, plus strand): 5'-CTTTTGTAGGGGTTCAGCTGTTGCAAAAATAATTGGTAATAATGTCAAGAAACTTCAGAA[A>T]TTTGCCTCCACAGTCAAGATGTGGGTCTTTGAAGAAACAGTGAATGGCAGAAAACTGACA-3'
Protein context (NP_055956.1, residues 23-43): IIGNNVKKLQ[Lys33Asn]FASTVKMWVF

ClinVar aggregate classification (germline): Conflicting classifications of pathogenicity. Review status: criteria provided, conflicting classifications (1 of 4 stars). 2 submissions from 2 submitters: Uncertain significance (1); Benign (1). Last evaluated 2025-12-29.

Conditions:
Cardiovascular phenotype. Identifiers: MedGen CN230736.
Brugada syndrome. Also called: Sudden unexpected nocturnal death syndrome; Sudden unexplained nocturnal death syndrome; Sudden Unexplained Death Syndrome; Sudden Unexplained Nocturnal Death Syndrome (SUNDS). Identifiers: Orphanet 130, MedGen C1142166, MONDO:0015263.

Allele frequency attached by ClinVar (database versions not stated): TOPMed 0.00002; gnomAD 0.00004; gnomAD exomes 0.00010; ExAC 0.00023.
gnomAD v4.1: 148 of 1,612,652 alleles (0.0092%); highest among the groups gnomAD compares: South Asian, 0.15%; no homozygotes.

Submissions (2):

Labcorp Genetics (formerly Invitae), Labcorp
Classification: Uncertain significance for Brugada syndrome. Last evaluated: 2025-12-29. Review status: criteria provided, single submitter. Criteria: Invitae Variant Classification Sherloc (09022015). Collection method: clinical testing. Allele origin: germline.
Comment: This sequence change replaces lysine, which is basic and polar, with asparagine, which is neutral and polar, at codon 33 of the GPD1L protein (p.Lys33Asn). This variant is present in population databases (rs779017611, gnomAD 0.1%), and has an allele count higher than expected for a pathogenic variant. This variant has not been reported in the literature in individuals affected with GPD1L-related conditions. ClinVar contains an entry for this variant (Variation ID: 2176192). An algorithm developed to predict the effect of missense changes on protein structure and function (PolyPhen-2) suggests that this variant is likely to be disruptive. In summary, the available evidence is currently insufficient to determine the role of this variant in disease. Therefore, it has been classified as a Variant of Uncertain Significance.

Ambry Genetics
Classification: Benign for Cardiovascular phenotype. Last evaluated: 2025-09-03. Review status: criteria provided, single submitter. Criteria: Ambry Variant Classification Scheme 2023. Collection method: clinical testing. Allele origin: germline.